The following is an entry in ClinVar:

NM_003640.5(ELP1):c.3931+17A>G

Gene: ELP1 (elongator acetyltransferase complex subunit 1; minus strand). Cytogenetic location: 9q31.3.
Variant type: single nucleotide variant.
Coding change: c.3931+17A>G on transcript NM_003640.5 (MANE Select); 17 bases into the intron after coding-DNA position 3931, A replaced by G.
Molecular consequence: intron variant.
Genome position (GRCh38, 1-based): chr9:108,874,878, T>C on the plus strand (A>G on the coding strand, the complement: ELP1 is on the minus strand). VCF-style: chr9-108874878-T-C. GRCh37 (hg19) VCF-style: chr9-111637158-T-C.
Other names: c.3589+17A>G (NM_001318360.2); c.2884+17A>G (NM_001330749.2).
Identifiers: ClinVar variation 3022190 (VCV003022190.4), dbSNP rs772694065, ClinGen allele CA5174128.

ClinVar aggregate classification (germline): Likely benign. Review status: criteria provided, multiple submitters, no conflicts (2 of 4 stars). 2 submissions from 2 submitters: Likely benign (2). Last evaluated 2026-01-16.

Allele frequency attached by ClinVar (database versions not stated): gnomAD 0.00003; TOPMed 0.00001; ExAC 0.00003.
gnomAD v4.1: 23 of 1,521,560 alleles (0.0015%); highest among the groups gnomAD compares: Admixed American, 0.0033%; no homozygotes.

Submissions (2):

Women's Health and Genetics/Laboratory Corporation of America, LabCorp
Classification: Likely benign. Last evaluated: 2026-01-16. Review status: criteria provided, single submitter. Criteria: LabCorp Variant Classification Summary - May 2015. Collection method: clinical testing. Allele origin: germline.
Comment: Variant summary: ELP1 c.3931+17A>G alters a nucleotide located at a position not widely known to affect splicing. Consensus agreement among computation tools predict no significant impact on normal splicing. However, these predictions have yet to be confirmed by functional studies. The variant allele was found at a frequency of 1.5e-05 in 1521560 control chromosomes. This frequency is not significantly higher than estimated for disease-causing variants in ELP1, allowing no conclusion about variant significance. To our knowledge, no occurrence of c.3931+17A>G in individuals affected with ELP1-related conditions and no experimental evidence demonstrating its impact on protein function have been reported. ClinVar contains an entry for this variant (Variation ID: 3022190). Based on the evidence outlined above, the variant was classified as likely benign.

Labcorp Genetics (formerly Invitae), Labcorp
Classification: Likely benign. Last evaluated: 2026-01-11. Review status: criteria provided, single submitter. Criteria: Invitae Variant Classification Sherloc (09022015). Collection method: clinical testing. Allele origin: germline.